The following is an entry in ClinVar:

ClinVar aggregate classification (germline): Pathogenic (1 of 4 stars; one submission).

Conditions:
EPILEPSY, CHILDHOOD ABSENCE, SUSCEPTIBILITY TO, 2 (ECA2). Identifiers: Orphanet 64280, MedGen C1843244, OMIM 607681.
Febrile seizures, familial, 8 (FEB8). Also called: CONVULSIONS, FAMILIAL FEBRILE, 8. Identifiers: Orphanet 36387, MedGen C1969810, MONDO:0011891, OMIM 607681.

Submission:

Labcorp Genetics (formerly Invitae), Labcorp
Classification: Pathogenic for Febrile seizures, familial, 8; EPILEPSY, CHILDHOOD ABSENCE, SUSCEPTIBILITY TO, 2. Last evaluated: 2023-08-17. Review status: criteria provided, single submitter. Criteria: Invitae Variant Classification Sherloc (09022015). Collection method: clinical testing. Allele origin: germline.
Comment: This variant is not present in population databases (gnomAD no frequency). This sequence change creates a premature translational stop signal (p.Glu110Asnfs*17) in the GABRG2 gene. It is expected to result in an absent or disrupted protein product. Loss-of-function variants in GABRG2 are known to be pathogenic (PMID: 22539854, 22750526, 24407264). ClinVar contains an entry for this variant (Variation ID: 2101122). This variant is also known as c.327+1del. This variant has not been reported in the literature in individuals affected with GABRG2-related conditions. For these reasons, this variant has been classified as Pathogenic. Algorithms developed to predict the effect of sequence changes on RNA splicing suggest that this variant may disrupt the consensus splice site.

Literature cited by the submitters: PubMed 22539854; PubMed 22750526; PubMed 24407264.

NM_198904.4(GABRG2):c.327+1del

Gene: GABRG2 (gamma-aminobutyric acid type A receptor subunit gamma2; plus strand). Cytogenetic location: 5q34.
Variant type: Deletion.
Coding change: c.327+1del on transcript NM_198904.4 (MANE Select); the canonical splice donor site of the intron after coding-DNA position 327, one base deleted (G; older notation c.327+1delG).
Molecular consequence: splice donor variant.
Genome position (GRCh38, 1-based): chr5:162,095,563, G deleted; the last of 2 consecutive G bases (chr5:162,095,562-162,095,563); deleting either gives the same sequence. VCF-style (leftmost placement, unchanged base first): chr5-162095561-TG-T. GRCh37 (hg19) VCF-style: chr5-161522567-TG-T.
Other names: c.42+1del (NM_001375349.1); c.327+1del (NM_001375343.1, NM_001375344.1, NM_001375340.1 and 4 more transcripts); c.-32+1del (NM_001375350.1, NM_001375348.1); c.318+1del (NM_001375339.1); c.261+1del (NM_001375346.1, NM_001375345.1); c.240+1del (NM_001375347.1).
Identifiers: ClinVar variation 2101122 (VCV002101122.4), dbSNP rs2532559907, ClinGen allele CA2580073996.